The following is an entry in ClinVar:

NM_004946.3(DOCK2):c.4729-2A>G

Gene: DOCK2 (dedicator of cytokinesis 2; plus strand). Cytogenetic location: 5q35.1.
Variant type: single nucleotide variant.
Coding change: c.4729-2A>G on transcript NM_004946.3 (MANE Select); the canonical splice acceptor site of the intron before coding-DNA position 4729, A replaced by G.
Molecular consequence: splice acceptor variant.
Genome position (GRCh38, 1-based): chr5:170,075,945, A>G. VCF-style: chr5-170075945-A-G. GRCh37 (hg19) VCF-style: chr5-169502949-A-G.
Identifiers: ClinVar variation 1028824 (VCV001028824.1), dbSNP rs1757824003, ClinGen allele CA362114626.

ClinVar aggregate classification (germline): Likely pathogenic (1 of 4 stars; one submission).

Conditions:
DOCK2 deficiency. Also called: Immunodeficiency 40. Identifiers: Orphanet 447737, MedGen C4225328, MONDO:0014637, OMIM 616433.

Submission:

Baylor Genetics
Classification: Likely pathogenic for DOCK2 deficiency. Last evaluated: 2020-02-21. Review status: criteria provided, single submitter. Criteria: ACMG Guidelines, 2015. Collection method: clinical testing. Allele origin: unknown. Affected: yes.
Comment: This variant was determined to be likely pathogenic according to ACMG Guidelines, 2015 [PMID:25741868].